The following is an entry in ClinVar:

NM_006648.4(WNK2):c.4169C>T (p.Pro1390Leu)

Gene: WNK2 (WNK lysine deficient protein kinase 2; plus strand). Cytogenetic location: 9q22.31.
Variant type: single nucleotide variant.
Coding change: c.4169C>T on transcript NM_006648.4 (MANE Select); coding-DNA position 4169, C replaced by T.
Protein change: p.Pro1390Leu; replaces proline 1390 with leucine.
Molecular consequence: missense variant.
Genome position (GRCh38, 1-based): chr9:93,288,923, C>T. VCF-style: chr9-93288923-C-T. GRCh37 (hg19) VCF-style: chr9-96051205-C-T.
Other names: c.4280C>T, p.Pro1427Leu (NM_001282394.3); short protein forms P1427L, P1390L.
Identifiers: ClinVar variation 3816833 (VCV003816833.1).

ClinVar aggregate classification (germline): Uncertain significance (1 of 4 stars; one submission).

gnomAD v4.1: 8 of 1,607,048 alleles (0.0005%); highest among the groups gnomAD compares: Non-Finnish European, 0.00068%; no homozygotes.

Submission:

Ambry Genetics
Classification: Uncertain significance. Last evaluated: 2025-01-13. Review status: criteria provided, single submitter. Criteria: Ambry Variant Classification Scheme 2023. Collection method: clinical testing. Allele origin: germline.
Comment: The p.P1390L variant (also known as c.4169C>T), located in coding exon 19 of the WNK2 gene, results from a C to T substitution at nucleotide position 4169. The proline at codon 1390 is replaced by leucine, an amino acid with similar properties. This amino acid position is conserved. In addition, this alteration is predicted to be tolerated by in silico analysis. Based on the available evidence, the clinical significance of this variant remains unclear.